The following is an entry in ClinVar:

ClinVar aggregate classification (germline): Likely benign (1 of 4 stars; one submission).

Conditions:
Hereditary breast ovarian cancer syndrome. Also called: Hereditary breast and ovarian cancer; Hereditary breast and ovarian cancer syndrome (HBOC); Breast and ovarian cancer; Hereditary breast and/or ovarian cancer syndrome; BRCA1- and BRCA2-Associated Hereditary Breast and Ovarian Cancer; Hereditary breast and ovarian cancer syndrome. Identifiers: Orphanet 145, MedGen C0677776, MeSH D061325, MONDO:0003582. Disease mechanism: loss of function.

Submissions (2):

Labcorp Genetics (formerly Invitae), Labcorp
Classification: Likely benign for Hereditary breast ovarian cancer syndrome. Last evaluated: 2025-08-21. Review status: criteria provided, single submitter. Criteria: Invitae Variant Classification Sherloc (09022015). Collection method: clinical testing. Allele origin: germline.

Brotman Baty Institute, University of Washington
No classification provided (evidence only). Condition: Breast-ovarian cancer, familial 1. Review status: no classification provided. Collection method: in vitro. Allele origin: not applicable. Functional consequence: functionally_abnormal. Not counted in ClinVar's aggregate classification.
ClinVar note: "not provided" was previously submitted as the classification for the variant. However, the classification appeared to be based only on an observation of functional data so it was converted to no classification on 2025-07-30.

NM_007294.4(BRCA1):c.5468-7T>C

Gene: BRCA1 (BRCA1 DNA repair associated; minus strand). Cytogenetic location: 17q21.31.
Variant type: single nucleotide variant.
Coding change: c.5468-7T>C on transcript NM_007294.4 (MANE Select); 7 bases into the intron before coding-DNA position 5468, T replaced by C.
Molecular consequence: intron variant.
Genome position (GRCh38, 1-based): chr17:43,045,809, A>G on the plus strand (T>C on the coding strand, the complement: BRCA1 is on the minus strand). VCF-style: chr17-43045809-A-G. GRCh37 (hg19) VCF-style: chr17-41197826-A-G.
Other names: c.2015-7T>C (NM_001408458.1, NM_001408461.1, NM_001408464.1 and 7 more transcripts); c.4577-7T>C (NM_001407967.1); c.5087-7T>C (NM_001407959.1); c.5201-7T>C (NM_001407931.1, NM_001407932.1, NM_001407928.1 and 4 more transcripts); c.5324-7T>C (NM_001407747.1, NM_001407745.1, NM_001407737.1 and 18 more transcripts); c.5084-7T>C (NM_001407962.1, NM_001407960.1); c.1655-7T>C (NM_001408512.1); c.1778-7T>C (NM_001408510.1); and 83 more.
Identifiers: ClinVar variation 867566 (VCV000867566.4), dbSNP rs2050891331, ClinGen allele CA916080711.